The following is an entry in ClinVar:

ClinVar aggregate classification (germline): Pathogenic. Review status: criteria provided, multiple submitters, no conflicts (2 of 4 stars). 2 submissions from 2 submitters: Pathogenic (2). Last evaluated 2022-07-04.

Conditions:
Pheochromocytoma. Also called: MAX-Related Hereditary Paraganglioma-Pheochromocytoma Syndrome. Identifiers: Orphanet 29072, MedGen C0031511, MONDO:0008233, OMIM 171300, HP:0002666.
Paragangliomas with sensorineural hearing loss. Identifiers: MedGen C1868633.
Carney-Stratakis syndrome. Also called: PARAGANGLIOMA AND GASTROINTESTINAL STROMAL TUMOR. Identifiers: Orphanet 97286, MedGen C1847319, MONDO:0011740, OMIM 606864.
Cowden syndrome 3 (CWS3). Identifiers: Orphanet 201, MedGen CN166604, MONDO:0014045.
Pheochromocytoma/paraganglioma syndrome 1. Also called: PARAGANGLIOMATA; PARAGANGLIOMAS, FAMILIAL NONCHROMAFFIN, 1; PGL 1; Paragangliomas familial 1; SDHD-Related Hereditary Paraganglioma-Pheochromocytoma Syndrome; Paragangliomas 1. Identifiers: Orphanet 29072, MedGen C3494181, MONDO:0008192, OMIM 168000.

Submissions (2):

Labcorp Genetics (formerly Invitae), Labcorp
Classification: Pathogenic for Carney-Stratakis syndrome; Paragangliomas with sensorineural hearing loss; Pheochromocytoma; Cowden syndrome 3. Last evaluated: 2022-07-04. Review status: criteria provided, single submitter. Criteria: Invitae Variant Classification Sherloc (09022015). Collection method: clinical testing. Allele origin: germline.
Comment: For these reasons, this variant has been classified as Pathogenic. This variant disrupts a region of the SDHD protein in which other variant(s) (p.Leu139Arg) have been determined to be pathogenic (PMID: 11343322, 15032977, 15328326; Invitae). This suggests that this is a clinically significant region of the protein, and that variants that disrupt it are likely to be disease-causing. ClinVar contains an entry for this variant (Variation ID: 547770). This variant is also known as 13732insT. This premature translational stop signal has been observed in individual(s) with paraganglioma (PMID: 11343322). This variant is not present in population databases (gnomAD no frequency). This sequence change creates a premature translational stop signal (p.Asp113*) in the SDHD gene. While this is not anticipated to result in nonsense mediated decay, it is expected to disrupt the last 47 amino acid(s) of the SDHD protein.

Center for Human Genetics, Inc
Classification: Pathogenic for Paragangliomas with sensorineural hearing loss. Last evaluated: 2016-11-01. Review status: criteria provided, single submitter. Criteria: ACMG Guidelines, 2015. Collection method: clinical testing. Allele origin: germline. Affected: yes.

Literature cited by the submitters: PubMed 11343322 (cited by Labcorp Genetics (formerly Invitae), Labcorp); PubMed 15032977 (cited by Labcorp Genetics (formerly Invitae), Labcorp); PubMed 15328326 (cited by Labcorp Genetics (formerly Invitae), Labcorp).

NM_003002.4(SDHD):c.336dup (p.Asp113Ter)

Gene: SDHD (succinate dehydrogenase complex subunit D; plus strand). Cytogenetic location: 11q23.1.
Variant type: Duplication.
Coding change: c.336dup on transcript NM_003002.4 (MANE Select); coding-DNA position 336, one base duplicated (T; older notation c.336dupT).
Protein change: p.Asp113Ter; replaces aspartic acid 113 with a stop codon.
Molecular consequence: nonsense. On other transcripts: frameshift variant (1), 3 prime UTR variant (1), non-coding transcript variant (1).
Genome position (GRCh38, 1-based): chr11:112,094,826, T duplicated. VCF-style (leftmost placement, unchanged base first): chr11-112094825-C-CT. GRCh37 (hg19) VCF-style: chr11-111965549-C-CT.
Other names: c.336dupT (NM_003002.3); c.191dup, p.Thr65fs (NM_001276503.2); c.219dup, p.Asp74Ter (NM_001276504.2); c.*34dup (NM_001276506.2); short protein forms D74*, T65fs, D113*.
Identifiers: ClinVar variation 547770 (VCV000547770.6), dbSNP rs1555187583, ClinGen allele CA658821856.